The following is an entry in ClinVar:

NM_001365308.1(BMPER):c.505G>A (p.Glu169Lys)

Gene: BMPER (BMP binding endothelial regulator; plus strand). Cytogenetic location: 7p14.3.
Variant type: single nucleotide variant.
Coding change: c.505G>A on transcript NM_001365308.1 (MANE Select); coding-DNA position 505, G replaced by A.
Protein change: p.Glu169Lys; replaces glutamic acid 169 with lysine.
Molecular consequence: missense variant.
Genome position (GRCh38, 1-based): chr7:33,974,713, G>A. VCF-style: chr7-33974713-G-A. GRCh37 (hg19) VCF-style: chr7-34014325-G-A.
Other names: c.505G>A, p.Glu169Lys (NM_001410872.1, NM_133468.5); c.505G>A (NM_133468.3); short protein forms E169K.
Identifiers: ClinVar variation 2065704 (VCV002065704.4), dbSNP rs200097821, ClinGen allele CA4215100.

ClinVar aggregate classification (germline): Uncertain significance. Review status: criteria provided, multiple submitters, no conflicts (2 of 4 stars). 2 submissions from 2 submitters: Uncertain significance (2). Last evaluated 2025-04-01.

Conditions:
Inborn genetic diseases. Identifiers: MedGen C0950123, MeSH D030342.

Allele frequency attached by ClinVar (database versions not stated): gnomAD exomes 0.00018; ESP Exome Variant Server 0.00023.
gnomAD v4.1: 297 of 1,614,062 alleles (0.018%); highest among the groups gnomAD compares: Admixed American, 0.033%; no homozygotes.

Submissions (2):

Ambry Genetics
Classification: Uncertain significance for Inborn genetic diseases. Last evaluated: 2025-04-01. Review status: criteria provided, single submitter. Criteria: Ambry Variant Classification Scheme 2023. Collection method: clinical testing. Allele origin: germline.

Labcorp Genetics (formerly Invitae), Labcorp
Classification: Uncertain significance. Last evaluated: 2022-10-18. Review status: criteria provided, single submitter. Criteria: Invitae Variant Classification Sherloc (09022015). Collection method: clinical testing. Allele origin: germline.
Comment: This sequence change replaces glutamic acid, which is acidic and polar, with lysine, which is basic and polar, at codon 169 of the BMPER protein (p.Glu169Lys). This variant is present in population databases (rs200097821, gnomAD 0.03%). This variant has not been reported in the literature in individuals affected with BMPER-related conditions. Advanced modeling of protein sequence and biophysical properties (such as structural, functional, and spatial information, amino acid conservation, physicochemical variation, residue mobility, and thermodynamic stability) performed at Invitae indicates that this missense variant is not expected to disrupt BMPER protein function. In summary, the available evidence is currently insufficient to determine the role of this variant in disease. Therefore, it has been classified as a Variant of Uncertain Significance.